The following is an entry in ClinVar:

ClinVar aggregate classification (germline): Uncertain significance (1 of 4 stars; one submission).

Conditions:
Baller-Gerold syndrome (BGS). Also called: CRANIOSYNOSTOSIS WITH RADIAL DEFECTS. Identifiers: Orphanet 1225, MedGen C0265308, MONDO:0009039, OMIM 218600.

Submission:

Labcorp Genetics (formerly Invitae), Labcorp
Classification: Uncertain significance for Baller-Gerold syndrome. Last evaluated: 2025-01-22. Review status: criteria provided, single submitter. Criteria: Invitae Variant Classification Sherloc (09022015). Collection method: clinical testing. Allele origin: germline.
Comment: This variant, c.2753_2755del, results in the deletion of 1 amino acid(s) of the RECQL4 protein (p.Glu918del), but otherwise preserves the integrity of the reading frame. This variant is present in population databases (rs755113079, gnomAD 0.001%). This variant has not been reported in the literature in individuals affected with RECQL4-related conditions. ClinVar contains an entry for this variant (Variation ID: 578702). Experimental studies and prediction algorithms are not available or were not evaluated, and the functional significance of this variant is currently unknown. Algorithms developed to predict the effect of sequence changes on RNA splicing suggest that this variant may disrupt the consensus splice site. In summary, the available evidence is currently insufficient to determine the role of this variant in disease. Therefore, it has been classified as a Variant of Uncertain Significance.

NM_004260.4(RECQL4):c.2750AGG[1] (p.Glu918del)

Gene: RECQL4 (RecQ like helicase 4; minus strand). Cytogenetic location: 8q24.3.
Variant type: Microsatellite.
Coding change: c.2750AGG[1] on transcript NM_004260.4 (MANE Select); one copy of the 3-base unit AGG starting at c.2750; the reference has two copies in a row; one copy, 3 bases deleted.
Protein change: p.Glu918del; deletes glutamic acid 918.
Molecular consequence: inframe deletion.
Genome position (GRCh38, 1-based): chr8:144,512,847-144,512,849, CCT deleted on the plus strand (AGG on the coding strand, the reverse complement: RECQL4 is on the minus strand); deleting any 3 consecutive bases within chr8:144,512,847-144,512,854 gives the same sequence; the position shown is the placement nearest the transcript's 3' end. VCF-style (leftmost placement, unchanged base first): chr8-144512846-CCCT-C. GRCh37 (hg19) VCF-style: chr8-145738229-CCCT-C.
Other names: c.2753_2755delAGG (NM_004260.3); short protein forms E918del.
Identifiers: ClinVar variation 578702 (VCV000578702.8), dbSNP rs755113079, ClinGen allele CA4948120.
Genomic context (GRCh38, chr8:144,512,846, plus strand): 5'-GGGCTCAGCGGACGCGGGGACAGCCCCTCCACACCCCTGTGGCTTACCCCAGGTTCCTCA[CCCT>C]CCTCCGGCATGTCCAAAGCCTGTACGGTAAGCTGTATTGGGAGTGCCCGCTCATGGCCCA-3'